The following is an entry in ClinVar:

NM_006267.5(RANBP2):c.4993A>G (p.Lys1665Glu)

Gene: RANBP2 (RAN binding protein 2; plus strand). Cytogenetic location: 2q13.
Variant type: single nucleotide variant.
Coding change: c.4993A>G on transcript NM_006267.5 (MANE Select); coding-DNA position 4993, A replaced by G.
Protein change: p.Lys1665Glu; replaces lysine 1665 with glutamic acid.
Molecular consequence: missense variant.
Genome position (GRCh38, 1-based): chr2:108,765,532, A>G. VCF-style: chr2-108765532-A-G. GRCh37 (hg19) VCF-style: chr2-109381988-A-G.
Other names: c.4993A>G (NM_006267.4); short protein forms K1665E.
Identifiers: ClinVar variation 1061204 (VCV001061204.12), dbSNP rs770727082, ClinGen allele CA1823211.

ClinVar aggregate classification (germline): Uncertain significance. Review status: criteria provided, single submitter (1 of 4 stars). 2 submissions from 2 submitters: Uncertain significance (1). 1 of the submissions does not count toward it. Last evaluated 2020-01-18.

Conditions:
Familial acute necrotizing encephalopathy (IIAE3). Also called: ENCEPHALOPATHY, ACUTE, INFECTION-INDUCED, SUSCEPTIBILITY TO, 3; Susceptibility to Acute Necrotizing Encephalopathy 1. Identifiers: Orphanet 88619, MedGen C2675556, MONDO:0011953, OMIM 608033.
RANBP2-related disorder. Also called: RANBP2-related condition.

Allele frequency attached by ClinVar (database versions not stated): gnomAD exomes 0.00001 and 0.00002; ExAC 0.00005; gnomAD 0.00008 and 0.00009; TOPMed 0.00008.
gnomAD v4.1: 13 of 1,563,868 alleles (0.00083%); highest among the groups gnomAD compares: African/African-American, 0.019%; no homozygotes.

Submissions (2):

Labcorp Genetics (formerly Invitae), Labcorp
Classification: Uncertain significance for Familial acute necrotizing encephalopathy. Last evaluated: 2020-01-18. Review status: criteria provided, single submitter. Criteria: Invitae Variant Classification Sherloc (09022015). Collection method: clinical testing. Allele origin: germline.
Comment: In summary, the available evidence is currently insufficient to determine the role of this variant in disease. Therefore, it has been classified as a Variant of Uncertain Significance. Algorithms developed to predict the effect of missense changes on protein structure and function are either unavailable or do not agree on the potential impact of this missense change (SIFT: "Deleterious"; PolyPhen-2: "Benign"; Align-GVGD: "Class C55"). This sequence change replaces lysine with glutamic acid at codon 1665 of the RANBP2 protein (p.Lys1665Glu). The lysine residue is highly conserved and there is a small physicochemical difference between lysine and glutamic acid. The frequency data for this variant in the population databases is considered unreliable, as metrics indicate poor data quality at this position in the ExAC database. This variant has been observed in an individual with acute hemorrhagic encephalomyelitis and sickle cell disease (PMID: 29593631).

PreventionGenetics, part of Exact Sciences
Classification: Uncertain significance for RANBP2-related condition. Last evaluated: 2023-12-07. Review status: no assertion criteria provided. Collection method: clinical testing. Allele origin: germline. Not counted in ClinVar's aggregate classification.
Comment: The RANBP2 c.4993A>G variant is predicted to result in the amino acid substitution p.Lys1665Glu. This variant was reported in the heterozygous state in an individual with sickle cell disease who later presented with an acquired demyelinating syndrome (Alawadhi et al. 2018. PubMed ID: 29593631). This variant is reported in 0.020% of alleles in individuals of African descent in gnomAD. At this time, the clinical significance of this variant is uncertain due to the absence of conclusive functional and genetic evidence.

Literature cited by the submitters: PubMed 29593631 (cited by Labcorp Genetics (formerly Invitae), Labcorp).